The following is an entry in ClinVar:

NM_000277.3(PAH):c.707-1G>A

Gene: PAH (phenylalanine hydroxylase; minus strand). Cytogenetic location: 12q23.2.
Variant type: single nucleotide variant.
Coding change: c.707-1G>A on transcript NM_000277.3 (MANE Select); the canonical splice acceptor site of the intron before coding-DNA position 707, G replaced by A.
Molecular consequence: splice acceptor variant.
Genome position (GRCh38, 1-based): chr12:102,852,951, C>T on the plus strand (G>A on the coding strand, the complement: PAH is on the minus strand). VCF-style: chr12-102852951-C-T. GRCh37 (hg19) VCF-style: chr12-103246729-C-T.
Other names: c.707-1G>A (NM_001354304.2).
Identifiers: ClinVar variation 102793 (VCV000102793.11), dbSNP rs62507269, ClinGen allele CA229703.

ClinVar aggregate classification (germline): Pathogenic. Review status: reviewed by expert panel (3 of 4 stars). 5 submissions from 5 submitters: Pathogenic (1). 4 of the submissions do not count toward it. Last evaluated 2020-05-09.

Conditions:
Phenylketonuria (PKU). Also called: Phenylketonuria (PKU); FOLLING DISEASE; OLIGOPHRENIA PHENYLPYRUVICA; Phenylketonurias. Identifiers: Orphanet 716, MedGen C0031485, MONDO:0009861, OMIM 261600. Disease mechanism: loss of function.

Allele frequency attached by ClinVar (database versions not stated): gnomAD exomes below 0.00001.
gnomAD v4.1: 1 of 1,613,968 alleles (0.000062%); highest among the groups gnomAD compares: East Asian, 0.0022%; no homozygotes.

Submissions (5):

ClinGen PAH Variant Curation Expert Panel
Classification: Pathogenic for Phenylketonuria. Last evaluated: 2020-05-09. Review status: reviewed by expert panel. Criteria: ClinGen PAH ACMG Specifications v1. Collection method: curation. Allele origin: germline. Inheritance: Autosomal recessive inheritance.
Comment: The PAH variant c.707-1G>A (IVS6-1G>A) is a null variant (acceptor site) located in exon number 7 of the PAH gene. Loss of function in the PAH gene is a known mechanism of disease. Eleven null variants in exon 7 of the PAH gene have been reported. This variant causes exon skipping that results in the removal of more than 10% of the transcript. This variant is predicted to disrupt the reading frame, altering regions critical to protein function (63 pathogenic non-nonsense variants in skipped exons have been reported). The mRNA transcript is predicted to undergo NMD. According to TraP in silico splicing prediction, this alteration is probably damaging (TraP score 0.572). HSF (-31.55% variation) and MaxEnt (-114.25% variation) agree that this alteration of the WT acceptor site most probably affects splicing. The PAH variant c.707-1G>A (IVS6-1G>A) was identified in three alleles from Chinese patients with classical PKU. The patients had a plasma Phe level above 120 micromol/L. DHPR activity, biopterin, and/or pteridine analysis was performed to rule out other causes of hyperphenylalaninemia (PMID: 28754886, 30747360). The PAH variant c.707-1G>A (IVS6-1G>A) was detected in two Chinese patients with classic PKU (cPKU Phe more than 1200 micromol/L). These two patients were identified with the likely pathogenic PAH variant c.1285C>A (p.Gln429Lys) (ClinVar ID: 551555) and with the pathogenic PAH variant c.526C>T (p.Arg176Ter) (ClinVar ID: 102723) Pathogenic PM3 Points: 0.75 (Supporting) (PMID: 28754886) This variant is absent in the gnomAD, ExAC , and PAGE population databases. In summary, this variant meets the criteria to be classified as pathogenic. PAH-specific ACMG/AMP criteria applied: PM2, PM3_Supporting, PP4_Moderate, PVS1.

Labcorp Genetics (formerly Invitae), Labcorp
Classification: Pathogenic for Phenylketonuria. Last evaluated: 2024-08-06. Review status: criteria provided, single submitter. Criteria: Invitae Variant Classification Sherloc (09022015). Collection method: clinical testing. Allele origin: germline. Not counted in ClinVar's aggregate classification.
Comment: This sequence change affects an acceptor splice site in intron 6 of the PAH gene. It is expected to disrupt RNA splicing. Variants that disrupt the donor or acceptor splice site typically lead to a loss of protein function (PMID: 16199547), and loss-of-function variants in PAH are known to be pathogenic (PMID: 1301187, 9634518). This variant is not present in population databases (gnomAD no frequency). Disruption of this splice site has been observed in individual(s) with hyperphenylalaninemia (PMID: 26322415, 28754886). This variant is also known as IVS6-1G>A. ClinVar contains an entry for this variant (Variation ID: 102793). Algorithms developed to predict the effect of sequence changes on RNA splicing suggest that this variant may disrupt the consensus splice site. For these reasons, this variant has been classified as Pathogenic.

Baylor Genetics
Classification: Pathogenic for Phenylketonuria. Last evaluated: 2024-01-31. Review status: criteria provided, single submitter. Criteria: ACMG Guidelines, 2015. Collection method: clinical testing. Allele origin: unknown. Not counted in ClinVar's aggregate classification.

Juno Genomics, Hangzhou Juno Genomics, Inc
Classification: Pathogenic for Phenylketonuria. Review status: criteria provided, single submitter. Criteria: ACMG Guidelines, 2015. Collection method: clinical testing. Allele origin: germline. Affected: yes. Not counted in ClinVar's aggregate classification.
Comment: Absent from controls (or at extremely low frequency if recessive) in Genome Aggregation Database.;Null variant in a gene where loss of function (LOF) is a known mechanism of disease.;For recessive disorders, detected in trans with a pathogenic variant.;Patient's phenotype or family history is highly specific for a disease with a single genetic etiology.

DeBelle Laboratory for Biochemical Genetics, MUHC/MCH RESEARCH INSTITUTE
No classification provided. Review status: no classification provided. Collection method: not provided. Allele origin: not provided. Not counted in ClinVar's aggregate classification.

Literature cited by the submitters: PubMed 28754886 (cited by ClinGen PAH Variant Curation Expert Panel and Labcorp Genetics (formerly Invitae), Labcorp); PubMed 30747360 (cited by ClinGen PAH Variant Curation Expert Panel); PubMed 16199547 (cited by Labcorp Genetics (formerly Invitae), Labcorp); PubMed 1301187 (cited by Labcorp Genetics (formerly Invitae), Labcorp); PubMed 9634518 (cited by Labcorp Genetics (formerly Invitae), Labcorp); PubMed 26322415 (cited by Labcorp Genetics (formerly Invitae), Labcorp).